The following is an entry in ClinVar:

ClinVar aggregate classification (germline): Pathogenic. Review status: criteria provided, multiple submitters, no conflicts (2 of 4 stars). 12 submissions from 12 submitters: Pathogenic (12). Last evaluated 2026-05-19.

Conditions:
Cerebral cavernous malformation 2. Also called: Familial Cerebral Cavernous Malformation 2. Identifiers: Orphanet 221061, MedGen C1864041, MONDO:0011304, OMIM 603284.
CCM2-related disorder. Also called: CCM2-related condition.

Allele frequency attached by ClinVar (database versions not stated): gnomAD exomes below 0.00001; TOPMed below 0.00001; ExAC 0.00001; gnomAD 0.00001.
gnomAD v4.1: 4 of 1,614,006 alleles (0.00025%); highest among the groups gnomAD compares: Admixed American, 0.0017%; no homozygotes.

Submissions (12):

Women's Health and Genetics/Laboratory Corporation of America, LabCorp
Classification: Pathogenic for Cerebral cavernous malformation 2. Last evaluated: 2026-05-19. Review status: criteria provided, single submitter. Criteria: LabCorp Variant Classification Summary - May 2015. Collection method: clinical testing. Allele origin: germline.
Comment: Variant summary: CCM2 c.55C>T (p.Arg19X) results in a premature termination codon, predicted to cause a truncation of the encoded protein or absence of the protein due to nonsense mediated decay, which are commonly known mechanisms for disease. The variant allele was found at a frequency of 4e-06 in 251356 control chromosomes. c.55C>T has been observed in two European families affected with CCM2-related Hereditary Cavernous Malformations with perfect segregation (Verlaan_2004). These data indicate that the variant is likely to be associated with disease. To our knowledge, no experimental evidence demonstrating an impact on protein function has been reported. The following publication have been ascertained in the context of this evaluation (PMID: 15122722). ClinVar contains an entry for this variant (Variation ID: 447028). Based on the evidence outlined above, the variant was classified as pathogenic.

Labcorp Genetics (formerly Invitae), Labcorp
Classification: Pathogenic for Cerebral cavernous malformation 2. Last evaluated: 2025-12-15. Review status: criteria provided, single submitter. Criteria: Invitae Variant Classification Sherloc (09022015). Collection method: clinical testing. Allele origin: germline.
Comment: This sequence change creates a premature translational stop signal (p.Arg19*) in the CCM2 gene. It is expected to result in an absent or disrupted protein product. Loss-of-function variants in CCM2 are known to be pathogenic (PMID: 18300272, 24689081). This variant is present in population databases (rs755800734, gnomAD 0.003%). This premature translational stop signal has been observed in individual(s) with cerebral cavernous malformations (PMID: 15122722, 23595507, 24466005). ClinVar contains an entry for this variant (Variation ID: 447028). For these reasons, this variant has been classified as Pathogenic.

Medical and Scientific Branch, Hong Kong Genome Institute
Classification: Pathogenic for Cerebral cavernous malformation 2. Last evaluated: 2025-12-11. Review status: criteria provided, single submitter. Criteria: ACMG Guidelines, 2015. Collection method: clinical testing. Allele origin: germline. Affected: yes.

Clinical Genomics Laboratory, Washington University in St. Louis
Classification: Pathogenic for Cerebral cavernous malformation 2. Last evaluated: 2025-11-04. Review status: criteria provided, single submitter. Criteria: ACMG Guidelines, 2015. Collection method: clinical testing. Allele origin: germline. Affected: yes.
Comment: The CCM2 c.55C>T (p.Arg19*) variant has been reported in at least three individuals affected by cerebral cavernous malformation and is noted to segregate with the disease in two families, although the evidence regarding the number of affected individuals in each family is limited (Mondejar R et al., PMID: 24466005; Pagenstecher A et al., PMID: 19088124; Verlaan DJ et al., PMID: 15122722). This variant has also been identified as somatic in a lesion sample from a patient with cerebral cavernous malformations (Akers AL et al., PMID: 19088123). This variant has been reported in the ClinVar database as a germline pathogenic variant by seven submitters. This variant is only observed in 4/1,614,006 alleles in the general population (gnomAD v.4.1.0), indicating it is not a common variant. This variant leads to a premature termination codon, which is predicted to lead to nonsense mediated decay. Based on available information and the ACMG/AMP guidelines for variant interpretation (Richards S et al., PMID: 25741868), this variant is classified as pathogenic.

ARUP Laboratories, Molecular Genetics and Genomics, ARUP Laboratories
Classification: Pathogenic for Cerebral cavernous malformation 2. Last evaluated: 2025-06-03. Review status: criteria provided, single submitter. Criteria: ARUP Molecular Germline Variant Investigation Process 2024. Collection method: clinical testing. Allele origin: germline.
Comment: The CCM2 c.55C>T; p.Arg19Ter variant (rs755800734, ClinVar Variation ID: 447028) is reported in the literature in multiple individuals affected with cerebral cavernous malformations (Verlaan 2004, da Fontoura Galvao 2020, Kim 2023, Li 2025) and shown to segregate with disease in three affected families (Du 2019, Noushad 2020, Silva 2024). This variant is only observed on one allele in the Genome Aggregation Database (v2.1.1), indicating it is not a common polymorphism. This variant induces an early termination codon and is predicted to result in a truncated protein or mRNA subject to nonsense-mediated decay. Based on available information, this variant is considered to be pathogenic. References: da Fontoura Galvao G et al. First Report of Concomitant Pathogenic Mutations Within MGC4607/CCM2 and KRIT1/CCM1 in a Familial Cerebral Cavernous Malformation Patient. World Neurosurg. 2020 Oct;142:481-486.e1. PMID: 32615293. Du Q et al. Two Novel CCM2 Heterozygous Mutations Associated with Cerebral Cavernous Malformation in a Chinese Family. J Mol Neurosci. 2019 Mar;67(3):467-471. PMID: 30701383. Kim S et al. Clinicoradiologic data of familial cerebral cavernous malformation with age-related disease burden. Ann Clin Transl Neurol. 2023 Mar;10(3):373-383. PMID: 36629374 Li C et al. Prevalence, genetic and clinical characteristics in first-degree relatives of patients with familial cerebral cavernous malformations in China. Stroke Vasc Neurol. 2025 Feb 25;10(1):45-54. PMID: 38749536 Noushad M et al. A British family with familial cerebral cavernous malformation due to a rare mutation of the CCM2 gene. Acta Neurol Belg. 2020 Oct;120(5):1227-1229. PMID: 32170606. Silva C et al. Towards a neurocognitive profile in familial cerebral cavernous malformations. Acta Neurol Belg. 2024 Feb;124(1):49-54. PMID: 37392320 Verlaan DJ et al. CCM2 mutations account for 13% of cases in a large collection of kindreds with hereditary cavernous malformations. Ann Neurol. 2004 May;55(5):757-8. PMID: 15122722.

GeneDx
Classification: Pathogenic. Last evaluated: 2024-11-18. Review status: criteria provided, single submitter. Criteria: GeneDx Variant Classification Process June 2021. Collection method: clinical testing. Allele origin: germline. Affected: yes.
Comment: Nonsense variant predicted to result in protein truncation or nonsense mediated decay in a gene for which loss of function is a known mechanism of disease; Not observed at significant frequency in large population cohorts (gnomAD); This variant is associated with the following publications: (PMID: 32170606, 27153162, 24466005, 27561926, 15122722, 19088124, 23595507, 19088123, 30701383, 31254430, 32615293, 36629374, 37214396, 37392320, 18300272)

Athena Diagnostics
Classification: Pathogenic. Last evaluated: 2024-04-05. Review status: criteria provided, single submitter. Criteria: Athena Diagnostics Criteria. Collection method: clinical testing. Allele origin: unknown.
Comment: This variant is expected to result in the loss of a functional protein. The frequency of this variant in the general population is consistent with pathogenicity. This variant has been identified in multiple unrelated individuals with clinical features associated with this gene.

Laboratorio de Genetica e Diagnostico Molecular, Hospital Israelita Albert Einstein
Classification: Pathogenic for Cerebral cavernous malformation 2. Last evaluated: 2024-03-22. Review status: criteria provided, single submitter. Criteria: ACMG Guidelines, 2015. Collection method: clinical testing. Allele origin: germline. Affected: yes.
Comment: ACMG classification criteria: PVS1 strong, PS4 moderate, PM2 supporting, PP1 strong

Blueprint Genetics
Classification: Pathogenic for CCM2-related disorders. Last evaluated: 2024-03-14. Review status: criteria provided, single submitter. Criteria: ACMG Guidelines, 2015. Collection method: clinical testing. Allele origin: germline. Affected: yes. Observed: 4 variant alleles.

3billion
Classification: Pathogenic for Cerebral cavernous malformation 2. Last evaluated: 2023-08-23. Review status: criteria provided, single submitter. Criteria: ACMG Guidelines, 2015. Collection method: clinical testing. Allele origin: germline. Affected: yes.
Comment: The variant is observed at an extremely low frequency in the gnomAD v2.1.1 dataset (total allele frequency: 0.000%). Predicted Consequence/Location: Stop-gained (nonsense): predicted to result in a loss or disruption of normal protein function through nonsense-mediated decay (NMD) or protein truncation. Multiple pathogenic variants are reported downstream of the variant. The variant has been reported at least twice as pathogenic with clinical assertions and evidence for the classification (ClinVar ID: VCV000447028 /PMID: 15122722). Therefore, this variant is classified as Pathogenic according to the recommendation of ACMG/AMP guideline.

PreventionGenetics, part of Exact Sciences
Classification: Pathogenic for CCM2-related condition. Last evaluated: 2023-08-16. Review status: criteria provided, single submitter. Criteria: ACMG Guidelines, 2015. Collection method: clinical testing. Allele origin: germline.
Comment: The CCM2 c.55C>T variant is predicted to result in premature protein termination (p.Arg19*). This variant has been reported to be causative for cerebral cavernous malformations (CCMs) in multiple patients (Verlaan et al. 2004. Pub Med ID: 15122722; Stahl et al. 2008. PubMed ID: 18300272; Fusco et al. 2019. PubMed ID: 31254430). At PreventionGenetics, we have detected this variant in several families tested for CCM (Internal Data). Nonsense variants in CCM2 are expected to be pathogenic. This variant is interpreted as pathogenic.

Fulgent Genetics
Classification: Pathogenic for Cerebral cavernous malformation 2. Last evaluated: 2022-04-29. Review status: criteria provided, single submitter. Criteria: ACMG Guidelines, 2015. Collection method: clinical testing. Allele origin: unknown.

Literature cited by the submitters: PubMed 15122722 (cited by 4 submitters); PubMed 18300272 (cited by Labcorp Genetics (formerly Invitae), Labcorp and Athena Diagnostics); PubMed 24689081 (cited by Labcorp Genetics (formerly Invitae), Labcorp); PubMed 23595507 (cited by Labcorp Genetics (formerly Invitae), Labcorp and Athena Diagnostics); PubMed 24466005 (cited by Labcorp Genetics (formerly Invitae), Labcorp and Athena Diagnostics); PubMed 19088124 (cited by Athena Diagnostics); PubMed 19088123 (cited by Athena Diagnostics); PubMed 27153162 (cited by Athena Diagnostics); PubMed 27561926 (cited by Athena Diagnostics).

NM_031443.4(CCM2):c.55C>T (p.Arg19Ter)

Gene: CCM2 (CCM2 scaffold protein; plus strand). Cytogenetic location: 7p13.
Variant type: single nucleotide variant.
Coding change: c.55C>T on transcript NM_031443.4 (MANE Select); coding-DNA position 55, C replaced by T.
Protein change: p.Arg19Ter; replaces arginine 19 with a stop codon.
Molecular consequence: nonsense. On other transcripts: non-coding transcript variant (1), intron variant (2).
Genome position (GRCh38, 1-based): chr7:45,038,277, C>T. VCF-style: chr7-45038277-C-T. GRCh37 (hg19) VCF-style: chr7-45077876-C-T.
Other names: c.118C>T, p.Arg40Ter (NM_001029835.2); c.55C>T, p.Arg19Ter (NM_001167935.2, NM_001363458.2); c.31-25641C>T (NM_001363459.2, NM_001167934.2); short protein forms R19*, R40*.
Identifiers: ClinVar variation 447028 (VCV000447028.25), dbSNP rs755800734, ClinGen allele CA4246869.